The following is an entry in ClinVar:

NM_001184.4(ATR):c.1112A>G (p.Tyr371Cys)

Gene: ATR (ATR checkpoint kinase; minus strand). Cytogenetic location: 3q23.
Variant type: single nucleotide variant.
Coding change: c.1112A>G on transcript NM_001184.4 (MANE Select); coding-DNA position 1112, A replaced by G.
Protein change: p.Tyr371Cys; replaces tyrosine 371 with cysteine.
Molecular consequence: missense variant.
Genome position (GRCh38, 1-based): chr3:142,562,290, T>C on the plus strand (A>G on the coding strand, the complement: ATR is on the minus strand). VCF-style: chr3-142562290-T-C. GRCh37 (hg19) VCF-style: chr3-142281132-T-C.
Other names: c.1112A>G, p.Tyr371Cys (NM_001354579.2); short protein forms Y371C.
Identifiers: ClinVar variation 1795466 (VCV001795466.7), dbSNP rs2473425260, ClinGen allele CA354823671.
Genomic context (GRCh38, chr3:142,562,290, plus strand): 5'-ACCTCTGCATCTACCTCAATTCCAAGCACATCCAAAAGAGCTTTACAAATATTTCTCACA[T>C]AGACCTTCCTGACTTGTAAAGCAGATTCATACCCAGCTGGCACAAATTTAAGGAAATACT-3'
Protein context (NP_001175.2, residues 361-381): YESALQVRKV[Tyr371Cys]VRNICKALLD

ClinVar aggregate classification (germline): Uncertain significance. Review status: criteria provided, multiple submitters, no conflicts (2 of 4 stars). 2 submissions from 2 submitters: Uncertain significance (2). Last evaluated 2024-03-19.

Conditions:
Inborn genetic diseases. Identifiers: MedGen C0950123, MeSH D030342.

Allele frequency attached by ClinVar (database versions not stated): gnomAD exomes below 0.00001.
gnomAD v4.1: 3 of 1,614,120 alleles (0.00019%); highest among the groups gnomAD compares: Non-Finnish European, 0.00017%; no homozygotes.

Submissions (2):

Ambry Genetics
Classification: Uncertain significance for Inborn genetic diseases. Last evaluated: 2024-03-19. Review status: criteria provided, single submitter. Criteria: Ambry Variant Classification Scheme 2023. Collection method: clinical testing. Allele origin: germline.
Comment: The p.Y371C variant (also known as c.1112A>G), located in coding exon 4 of the ATR gene, results from an A to G substitution at nucleotide position 1112. The tyrosine at codon 371 is replaced by cysteine, an amino acid with highly dissimilar properties. This amino acid position is conserved. In addition, the in silico prediction for this alteration is inconclusive. Since supporting evidence is limited at this time, the clinical significance of this alteration remains unclear.

Labcorp Genetics (formerly Invitae), Labcorp
Classification: Uncertain significance. Last evaluated: 2022-07-23. Review status: criteria provided, single submitter. Criteria: Invitae Variant Classification Sherloc (09022015). Collection method: clinical testing. Allele origin: germline.
Comment: This sequence change replaces tyrosine, which is neutral and polar, with cysteine, which is neutral and slightly polar, at codon 371 of the ATR protein (p.Tyr371Cys). This variant is not present in population databases (gnomAD no frequency). This variant has not been reported in the literature in individuals affected with ATR-related conditions. Algorithms developed to predict the effect of missense changes on protein structure and function are either unavailable or do not agree on the potential impact of this missense change (SIFT: "Tolerated"; PolyPhen-2: "Possibly Damaging"; Align-GVGD: "Class C0"). In summary, the available evidence is currently insufficient to determine the role of this variant in disease. Therefore, it has been classified as a Variant of Uncertain Significance.